The following is an entry in ClinVar:

ClinVar aggregate classification (germline): Likely pathogenic (1 of 4 stars; one submission).

Allele frequency attached by ClinVar (database versions not stated): gnomAD 0.00001 and 0.00003.

Submission:

GeneDx
Classification: Likely pathogenic. Last evaluated: 2018-05-16. Review status: criteria provided, single submitter. Criteria: GeneDx Variant Classification (06012015). Collection method: clinical testing. Allele origin: germline. Affected: yes.
Comment: A variant that is likely pathogenic has been identified in the NAGLU gene. The G310R variant has not been published as a pathogenic variant, nor has it been reported as a benign variant to our knowledge. The G310R variant is not observed at a significant frequency in large population cohorts (Lek et al., 2016). The G310R variant is a non-conservative amino acid substitution, which is likely to impact secondary protein structure as these residues differ in polarity, charge, size and/or other properties. Missense variants in nearby residues have been reported in the Human Gene Mutation Database in individuals with Sanfilippo syndrome B (Stenson et al., 2014). However, in-silico analyses, including protein predictors and evolutionary conservation, support that this variant does not alter protein structure/function.

NM_000263.4(NAGLU):c.928G>A (p.Gly310Arg)

Gene: NAGLU (N-acetyl-alpha-glucosaminidase; plus strand). Cytogenetic location: 17q21.2.
Variant type: single nucleotide variant.
Coding change: c.928G>A on transcript NM_000263.4 (MANE Select); coding-DNA position 928, G replaced by A.
Protein change: p.Gly310Arg; replaces glycine 310 with arginine.
Molecular consequence: missense variant.
Genome position (GRCh38, 1-based): chr17:42,541,113, G>A. VCF-style: chr17-42541113-G-A. GRCh37 (hg19) VCF-style: chr17-40693131-G-A.
Other names: short protein forms G310R.
Identifiers: ClinVar variation 546392 (VCV000546392.2), dbSNP rs1480640960, ClinGen allele CA399600231.
Genomic context (GRCh38, chr17:42,541,113, plus strand): 5'-ATCATCGGGAGCCTCTTCCTGCGAGAGCTGATCAAAGAGTTTGGCACAGACCACATCTAT[G>A]GGGCCGACACTTTCAATGAGATGCAGCCACCTTCCTCAGAGCCCTCCTACCTTGCCGCAG-3'
Protein context (NP_000254.2, residues 300-320): IKEFGTDHIY[Gly310Arg]ADTFNEMQPP